The following is an entry in ClinVar:

GRCh38/hg38 2p25.3(chr2:105493-638144)x3

Genes: LINC01865 (long intergenic non-protein coding RNA 1865; plus strand), LINC01874 (long intergenic non-protein coding RNA 1874; minus strand), ACP1 (acid phosphatase 1; plus strand), ALKAL2 (ALK and LTK ligand 2; minus strand), LINC01875 (long intergenic non-protein coding RNA 1875; plus strand) and 19 more. Cytogenetic location: 2p25.3.
Variant type: copy number gain.
Change: copy number 3 (three copies instead of two) of chr2:105,493-638,144 (532.7 kb, GRCh38 coordinates, 1-based), cytogenetic band 2p25.3.
Identifiers: ClinVar variation 4755385 (VCV004755385.1).

ClinVar aggregate classification (germline): Uncertain significance (1 of 4 stars; one submission).

Submission:

Clinical Genomics Laboratory, Laboratory for Precision Diagnostics, University of Washington
Classification: Uncertain significance. Last evaluated: 2021-05-06. Review status: criteria provided, single submitter. Criteria: ACMG/ClinGen CNV Guidelines, 2019. Collection method: clinical testing. Allele origin: unknown. Affected: yes. Observed: 1 variant allele.